The following is an entry in ClinVar:

ClinVar aggregate classification (germline): Likely benign (1 of 4 stars; one submission).

Conditions:
GNAS-related disorder. Identifiers: MedGen CN380105.

Submission:

PreventionGenetics, part of Exact Sciences
Classification: Likely benign for GNAS-related condition. Last evaluated: 2025-10-20. Review status: criteria provided, single submitter. Criteria: ACMG Guidelines, 2015. Collection method: clinical testing. Allele origin: germline.
Comment: This variant is classified as likely benign based on ACMG/AMP sequence variant interpretation guidelines (Richards et al. 2015 PMID: 25741868, with internal and published modifications).

NM_000516.7(GNAS):c.-10C>A

Gene: GNAS (GNAS complex locus; plus strand). Cytogenetic location: 20q13.32.
Variant type: single nucleotide variant.
Coding change: c.-10C>A on transcript NM_000516.7 (MANE Select); 10 bases upstream of the start codon, C replaced by A.
Molecular consequence: 5 prime UTR variant. On other transcripts: intron variant (11).
Genome position (GRCh38, 1-based): chr20:58,891,717, C>A. VCF-style: chr20-58891717-C-A. GRCh37 (hg19) VCF-style: chr20-57466772-C-A.
Other names: c.-10C>A (NM_001077488.5, NM_001077489.4, NM_001309842.2 and 1 more transcripts); c.*43-3895C>A (NM_016592.5); c.44-3895C>A (NM_001410912.1); c.-38-3895C>A (NM_001309861.2); c.*1-3895C>A (NM_001077490.3); c.2069-3895C>A (NM_080425.4, NM_001410913.1); c.*159-3895C>A (NM_001309883.1); c.-39+2364C>A (NM_001438273.1, NM_001309840.2); and 1 more.
Identifiers: ClinVar variation 4984153 (VCV004984153.1).
Genomic context (GRCh38, chr20:58,891,717, plus strand): 5'-GGCCCGCGTGAGGCCGCCCGCGCCCGCCGCCGCCGCAGCCCGGCCGCGCCCCGCCGCCGC[C>A]GCCGCCGCCATGGGCTGCCTCGGGAACAGTAAGACCGAGGACCAGCGCAACGAGGAGAAG-3'